The following is an entry in ClinVar:

ClinVar aggregate classification (germline): Benign/Likely benign. Review status: criteria provided, multiple submitters, no conflicts (2 of 4 stars). 3 submissions from 3 submitters: Benign (2); Likely benign (1). Last evaluated 2026-06-22.

Conditions:
Retinoblastoma (RB1). Also called: RETINOBLASTOMA, SOMATIC. Identifiers: Orphanet 790, MedGen C0035335, MeSH D012175, MONDO:0008380, OMIM 180200, HP:0009919. Disease mechanism: loss of function. Inheritance: Both sporadic and heritable forms are tested..

Allele frequency attached by ClinVar (database versions not stated): gnomAD 0.00002; TOPMed 0.00001.
gnomAD v4.1: 23 of 1,613,684 alleles (0.0014%); highest among the groups gnomAD compares: Admixed American, 0.015%; no homozygotes.

Submissions (3):

Myriad Genetics, Inc.
Classification: Likely benign for Retinoblastoma. Last evaluated: 2026-06-22. Review status: criteria provided, single submitter. Criteria: Myriad Autosomal Dominant, Autosomal Recessive and X-Linked Classification Criteria (2023). Collection method: clinical testing. Allele origin: unknown.
Comment: This variant is considered likely benign. This variant is intronic and is not expected to impact mRNA splicing.

Labcorp Genetics (formerly Invitae), Labcorp
Classification: Benign for Retinoblastoma. Last evaluated: 2026-01-28. Review status: criteria provided, single submitter. Criteria: Invitae Variant Classification Sherloc (09022015). Collection method: clinical testing. Allele origin: germline.

Color Diagnostics, LLC DBA Color Health
Classification: Benign for Retinoblastoma. Last evaluated: 2022-05-02. Review status: criteria provided, single submitter. Criteria: ACMG Guidelines, 2015. Collection method: clinical testing. Allele origin: germline.

NM_000321.3(RB1):c.1961-6C>T

Gene: RB1 (RB transcriptional corepressor 1; plus strand). Cytogenetic location: 13q14.2.
Variant type: single nucleotide variant.
Coding change: c.1961-6C>T on transcript NM_000321.3 (MANE Select); 6 bases into the intron before coding-DNA position 1961, C replaced by T.
Molecular consequence: intron variant.
Genome position (GRCh38, 1-based): chr13:48,459,682, C>T. VCF-style: chr13-48459682-C-T. GRCh37 (hg19) VCF-style: chr13-49033818-C-T.
Identifiers: ClinVar variation 416485 (VCV000416485.12), dbSNP rs200501806, ClinGen allele CA16614317.